The following is an entry in ClinVar:

NM_006910.5(RBBP6):c.4460G>A (p.Arg1487His)

Gene: RBBP6 (RB binding protein 6, ubiquitin ligase; plus strand). Cytogenetic location: 16p12.1.
Variant type: single nucleotide variant.
Coding change: c.4460G>A on transcript NM_006910.5 (MANE Select); coding-DNA position 4460, G replaced by A.
Protein change: p.Arg1487His; replaces arginine 1487 with histidine.
Molecular consequence: missense variant.
Genome position (GRCh38, 1-based): chr16:24,571,526, G>A. VCF-style: chr16-24571526-G-A. GRCh37 (hg19) VCF-style: chr16-24582847-G-A.
Other names: c.4358G>A, p.Arg1453His (NM_018703.4); short protein forms R1453H, R1487H.
Identifiers: ClinVar variation 3047291 (VCV003047291.2), dbSNP rs182640546, ClinGen allele CA7967956.

ClinVar aggregate classification (germline): Likely benign (0 of 4 stars; one submission).

Conditions:
RBBP6-related disorder. Also called: RBBP6-related condition.

Allele frequency attached by ClinVar (database versions not stated): ESP Exome Variant Server 0.00008; TOPMed 0.00008; gnomAD 0.00017; gnomAD exomes 0.00018; ExAC 0.00027; 1000 Genomes Project 30x 0.00078; 1000 Genomes Project 0.00080.
gnomAD v4.1: 282 of 1,613,550 alleles (0.017%); highest among the groups gnomAD compares: South Asian, 0.17%; no homozygotes.

Submission:

PreventionGenetics, part of Exact Sciences
Classification: Likely benign for RBBP6-related condition. Last evaluated: 2022-12-28. Review status: no assertion criteria provided. Collection method: clinical testing. Allele origin: germline.
Comment: This variant is classified as likely benign based on ACMG/AMP sequence variant interpretation guidelines (Richards et al. 2015 PMID: 25741868, with internal and published modifications).